The following is an entry in ClinVar:

NM_000337.6(SGCD):c.133_172dup (p.Lys58fs)

Gene: SGCD (sarcoglycan delta; plus strand). Cytogenetic location: 5q33.3.
Variant type: Duplication.
Coding change: c.133_172dup on transcript NM_000337.6 (MANE Select); coding-DNA positions 133 to 172, 40 bases duplicated.
Protein change: p.Lys58fs; shifts the reading frame from lysine 58.
Molecular consequence: frameshift variant.
Genome position (GRCh38, 1-based): chr5:156,344,618-156,344,657, 40 bases duplicated. GRCh37 (hg19): chr5:155,771,628-155,771,667.
Other names: c.130_169dup, p.Lys57fs (NM_001128209.2); c.133_172dup, p.Lys58fs (NM_172244.3); short protein forms K57fs, K58fs.
Identifiers: ClinVar variation 2741520 (VCV002741520.4), dbSNP rs2481653983, ClinGen allele CA2676177550.
Genomic context (GRCh38, chr5:156,344,617, plus strand): 5'-GGTGGGGATTTATGGCTGGCGGAAACGATGCCTGTATTTCTTTGTCCTGCTCCTCATGAT[T>TTTAATACTGGTGAACTTGGCCATGACCATCTGGATTCTCA]TTAATACTGGTGAACTTGGCCATGACCATCTGGATTCTCAAAGTCATGAACTTCACAATT-3'

ClinVar aggregate classification (germline): Pathogenic. Review status: criteria provided, multiple submitters, no conflicts (2 of 4 stars). 2 submissions from 2 submitters: Pathogenic (2). Last evaluated 2025-07-16.

Conditions:
Autosomal recessive limb-girdle muscular dystrophy type 2F (LGMDR6). Also called: Muscular dystrophy limb-girdle with delta-sarcoglyan deficiency; MUSCULAR DYSTROPHY, LIMB-GIRDLE, AUTOSOMAL RECESSIVE 6. Identifiers: Orphanet 219, MedGen C1832525, MONDO:0011028, OMIM 601287. Disease mechanism: Affects gamma-sarcoglycan and also disrupts the integrity of the entire sarcoglycan complex..

Allele frequency attached by ClinVar (database versions not stated): gnomAD exomes below 0.00001.

Submissions (2):

Myriad Genetics, Inc.
Classification: Pathogenic for Autosomal recessive limb-girdle muscular dystrophy type 2F. Last evaluated: 2025-07-16. Review status: criteria provided, single submitter. Criteria: Myriad Autosomal Dominant, Autosomal Recessive and X-Linked Classification Criteria (2023). Collection method: clinical testing. Allele origin: unknown.
Comment: NM_000337.5(SGCD):c.133_172dup40(K58Ifs*21) is a frameshift variant classified as pathogenic in the context of delta-sarcoglycanopathy. K58Ifs*21 has not been observed in cases with relevant disease. Relevant functional assessments of this variant are not available in the literature. K58Ifs*21 has not been observed in referenced population frequency databases. In summary, NM_000337.5(SGCD):c.133_172dup40(K58Ifs*21) is a frameshift variant in a gene where loss of function is a known mechanism of disease and is predicted to disrupt protein function. Please note: this variant was assessed in the context of healthy population screening.

Labcorp Genetics (formerly Invitae), Labcorp
Classification: Pathogenic for Autosomal recessive limb-girdle muscular dystrophy type 2F. Last evaluated: 2023-07-11. Review status: criteria provided, single submitter. Criteria: Invitae Variant Classification Sherloc (09022015). Collection method: clinical testing. Allele origin: germline.
Comment: This sequence change creates a premature translational stop signal (p.Lys58Ilefs*21) in the SGCD gene. It is expected to result in an absent or disrupted protein product. Loss-of-function variants in SGCD are known to be pathogenic (PMID: 8841194, 10735275, 10838250). This variant is not present in population databases (gnomAD no frequency). This variant has not been reported in the literature in individuals affected with SGCD-related conditions. For these reasons, this variant has been classified as Pathogenic.

Literature cited by the submitters: PubMed 8841194 (cited by Labcorp Genetics (formerly Invitae), Labcorp); PubMed 10735275 (cited by Labcorp Genetics (formerly Invitae), Labcorp); PubMed 10838250 (cited by Labcorp Genetics (formerly Invitae), Labcorp).